The following is an entry in ClinVar:

ClinVar aggregate classification (germline): Uncertain significance. Review status: criteria provided, multiple submitters, no conflicts (2 of 4 stars). 2 submissions from 2 submitters: Uncertain significance (2). Last evaluated 2024-12-09.

Conditions:
Diffuse cerebral and cerebellar atrophy - intractable seizures - progressive microcephaly syndrome. Also called: Microcephaly, progressive, with seizures and cerebral and cerebellar atrophy. Identifiers: Orphanet 404437, MedGen C4014239, MONDO:0014335, OMIM 615760.

Allele frequency attached by ClinVar (database versions not stated): gnomAD exomes below 0.00001; TOPMed below 0.00001; gnomAD 0.00001.
gnomAD v4.1: 4 of 1,613,990 alleles (0.00025%); highest among the groups gnomAD compares: Non-Finnish European, 0.00034%; no homozygotes.

Submissions (2):

Women's Health and Genetics/Laboratory Corporation of America, LabCorp
Classification: Uncertain significance. Last evaluated: 2024-12-09. Review status: criteria provided, single submitter. Criteria: LabCorp Variant Classification Summary - May 2015. Collection method: clinical testing. Allele origin: germline.
Comment: Variant summary: QARS1 c.1805G>C (p.Gly602Ala) results in a non-conservative amino acid change located in the tRNA synthetases class I (E and Q), anti-codon binding domain (IPR020059) of the encoded protein sequence. Three of five in-silico tools predict a damaging effect of the variant on protein function. The variant allele was found at a frequency of 2.1e-06 in 1461844 control chromosomes. The available data on variant occurrences in the general population are insufficient to allow any conclusion about variant significance. To our knowledge, no occurrence of c.1805G>C in individuals affected with Diffuse Cerebral And Cerebellar Atrophy-Intractable Seizures-Progressive Microcephaly Syndrome and no experimental evidence demonstrating its impact on protein function have been reported. ClinVar contains an entry for this variant (Variation ID: 1064325). Based on the evidence outlined above, the variant was classified as uncertain significance.

Labcorp Genetics (formerly Invitae), Labcorp
Classification: Uncertain significance for Diffuse cerebral and cerebellar atrophy - intractable seizures - progressive microcephaly syndrome. Last evaluated: 2021-08-30. Review status: criteria provided, single submitter. Criteria: Invitae Variant Classification Sherloc (09022015). Collection method: clinical testing. Allele origin: germline.
Comment: This sequence change replaces glycine with alanine at codon 602 of the QARS protein (p.Gly602Ala). The glycine residue is highly conserved and there is a small physicochemical difference between glycine and alanine. This variant is not present in population databases (ExAC no frequency). This variant has not been reported in the literature in individuals affected with QARS-related conditions. Algorithms developed to predict the effect of missense changes on protein structure and function are either unavailable or do not agree on the potential impact of this missense change (SIFT: "Tolerated"; PolyPhen-2: "Not Available"; Align-GVGD: "Class C0"). In summary, the available evidence is currently insufficient to determine the role of this variant in disease. Therefore, it has been classified as a Variant of Uncertain Significance.

NM_005051.3(QARS1):c.1805G>C (p.Gly602Ala)

Gene: QARS1 (glutaminyl-tRNA synthetase 1; minus strand). Cytogenetic location: 3p21.31.
Variant type: single nucleotide variant.
Coding change: c.1805G>C on transcript NM_005051.3 (MANE Select); coding-DNA position 1805, G replaced by C.
Protein change: p.Gly602Ala; replaces glycine 602 with alanine.
Molecular consequence: missense variant. On other transcripts: non-coding transcript variant (1).
Genome position (GRCh38, 1-based): chr3:49,098,943, C>G on the plus strand (G>C on the coding strand, the complement: QARS1 is on the minus strand). VCF-style: chr3-49098943-C-G. GRCh37 (hg19) VCF-style: chr3-49136376-C-G.
Other names: c.1772G>C, p.Gly591Ala (NM_001272073.2); short protein forms G591A, G602A.
Identifiers: ClinVar variation 1064325 (VCV001064325.3), dbSNP rs972789446, ClinGen allele CA352701282.